The following is an entry in ClinVar:

NM_014845.6(FIG4):c.266C>T (p.Ala89Val)

Gene: FIG4 (FIG4 phosphoinositide 5-phosphatase; plus strand). Cytogenetic location: 6q21.
Variant type: single nucleotide variant.
Coding change: c.266C>T on transcript NM_014845.6 (MANE Select); coding-DNA position 266, C replaced by T.
Protein change: p.Ala89Val; replaces alanine 89 with valine.
Molecular consequence: missense variant.
Genome position (GRCh38, 1-based): chr6:109,716,545, C>T. VCF-style: chr6-109716545-C-T. GRCh37 (hg19) VCF-style: chr6-110037748-C-T.
Other names: short protein forms A89V.
Identifiers: ClinVar variation 853761 (VCV000853761.9), dbSNP rs763532414, ClinGen allele CA3955721.

ClinVar aggregate classification (germline): Uncertain significance. Review status: criteria provided, multiple submitters, no conflicts (2 of 4 stars). 3 submissions from 3 submitters: Uncertain significance (3). Last evaluated 2026-03-18.

Conditions:
FIG4-related disorder. Also called: FIG4-related condition; FIG4-related disorders.
Charcot-Marie-Tooth disease type 4. Also called: Charcot-Marie-Tooth disease, type IV; Charcot-Marie-Tooth, Type 4. Identifiers: Orphanet 64749, MedGen C4082197, MONDO:0018995.
Inborn genetic diseases. Identifiers: MedGen C0950123, MeSH D030342.

Allele frequency attached by ClinVar (database versions not stated): ExAC 0.00003; gnomAD exomes 0.00003; gnomAD 0.00004 and 0.00005; TOPMed 0.00004.
gnomAD v4.1: 109 of 1,613,692 alleles (0.0068%); highest among the groups gnomAD compares: Non-Finnish European, 0.0084%; no homozygotes.

Submissions (3):

PreventionGenetics, part of Exact Sciences
Classification: Uncertain significance for FIG4-related condition. Last evaluated: 2026-03-18. Review status: criteria provided, single submitter. Criteria: ACMG Guidelines, 2015. Collection method: clinical testing. Allele origin: germline.
Comment: The FIG4 c.266C>T variant is predicted to result in the amino acid substitution p.Ala89Val. This variant was reported as a variant of uncertain significance in an individual from a large cohort study of Charcot-Marie-Tooth disease; however, additional evidence was not provided (Supp. Table 2, Volodarsky et al. 2021. PubMed ID: 32376792). This variant is reported in 0.0056% of alleles in individuals of Latino descent in gnomAD. At this time, the clinical significance of this variant is uncertain due to the absence of conclusive functional and genetic evidence.

Labcorp Genetics (formerly Invitae), Labcorp
Classification: Uncertain significance for Charcot-Marie-Tooth disease type 4. Last evaluated: 2022-07-11. Review status: criteria provided, single submitter. Criteria: Invitae Variant Classification Sherloc (09022015). Collection method: clinical testing. Allele origin: germline.
Comment: This sequence change replaces alanine, which is neutral and non-polar, with valine, which is neutral and non-polar, at codon 89 of the FIG4 protein (p.Ala89Val). This variant is present in population databases (rs763532414, gnomAD 0.006%). This missense change has been observed in individual(s) with clinical features of Charcot-Marie-Tooth disease (PMID: 32376792). ClinVar contains an entry for this variant (Variation ID: 853761). Algorithms developed to predict the effect of missense changes on protein structure and function (SIFT, PolyPhen-2, Align-GVGD) all suggest that this variant is likely to be tolerated. In summary, the available evidence is currently insufficient to determine the role of this variant in disease. Therefore, it has been classified as a Variant of Uncertain Significance.

Ambry Genetics
Classification: Uncertain significance for Inborn genetic diseases. Last evaluated: 2019-12-10. Review status: criteria provided, single submitter. Criteria: Ambry Variant Classification Scheme 2023. Collection method: clinical testing. Allele origin: germline.
Comment: The p.A89V variant (also known as c.266C>T), located in coding exon 3 of the FIG4 gene, results from a C to T substitution at nucleotide position 266. The alanine at codon 89 is replaced by valine, an amino acid with similar properties. This amino acid position is highly conserved in available vertebrate species. In addition, this alteration is predicted to be tolerated by in silico analysis. Since supporting evidence is limited at this time, the clinical significance of this alteration remains unclear.

Literature cited by the submitters: PubMed 32376792 (cited by Labcorp Genetics (formerly Invitae), Labcorp).